The following is an entry in ClinVar:

NM_004247.4(EFTUD2):c.869G>A (p.Ser290Asn)

Gene: EFTUD2 (elongation factor Tu GTP binding domain containing 2; minus strand). Cytogenetic location: 17q21.31.
Variant type: single nucleotide variant.
Coding change: c.869G>A on transcript NM_004247.4 (MANE Select); coding-DNA position 869, G replaced by A.
Protein change: p.Ser290Asn; replaces serine 290 with asparagine.
Molecular consequence: missense variant.
Genome position (GRCh38, 1-based): chr17:44,875,934, C>T on the plus strand (G>A on the coding strand, the complement: EFTUD2 is on the minus strand). VCF-style: chr17-44875934-C-T. GRCh37 (hg19) VCF-style: chr17-42953302-C-T.
Other names: c.764G>A, p.Ser255Asn (NM_001142605.2); c.869G>A, p.Ser290Asn (NM_001258353.2); c.839G>A, p.Ser280Asn (NM_001258354.2); short protein forms S255N, S280N, S290N.
Identifiers: ClinVar variation 4851550 (VCV004851550.1).

ClinVar aggregate classification (germline): Likely pathogenic (1 of 4 stars; one submission).

Conditions:
Mandibulofacial dysostosis-microcephaly syndrome (MFDGA). Also called: Mandibulofacial dysostosis, Guion-Almeida type; Growth and mental retardation, mandibulofacial dysostosis, microcephaly, and cleft palate. Identifiers: Orphanet 79113, MedGen C1864652, MONDO:0012516, OMIM 610536.

Submission:

Clinical Genomics Laboratory, Stanford Medicine
Classification: Likely pathogenic for Mandibulofacial dysostosis-microcephaly syndrome. Last evaluated: 2023-03-10. Review status: criteria provided, single submitter. Criteria: ACMG Guidelines, 2015. Collection method: clinical testing. Allele origin: de novo. Inheritance: Autosomal dominant inheritance. Affected: yes. Observed: 1 variant allele, 1 heterozygote.
Comment: This variant was absent from large population databases, including the Genome Aggregation Database. This variant occurs in the last 3' position in exon 10 which could affect splicing. Computational tools predict an impact to splicing; however, the accuracy of these computational tools is limited. The EFTUD2 gene has fewer missense variants in the general population than expected. A low rate of missense variation may suggest that this gene is intolerant to missense variation. These data were assessed using the ACMG/AMP variant interpretation guidelines. In summary, there is sufficient evidence to classify the p.Ser290Asn variant as likely pathogenic for mandibulofacial dysostosis with microcephaly in an autosomal dominant manner based on the information above. [ACMG evidence codes used: PS2_Moderate; PM2; PP2; PP3]